The following is an entry in ClinVar:

ClinVar aggregate classification (germline): Uncertain significance (1 of 4 stars; one submission).

Conditions:
Myopathy with tubular aggregates (TAM). Also called: Tubular Aggregate Myopathy. Identifiers: Orphanet 2593, MedGen C0410207, MONDO:0008051.
Combined immunodeficiency due to STIM1 deficiency. Also called: STIM1 DEFICIENCY; IMMUNODEFICIENCY 10. Identifiers: Orphanet 169090, Orphanet 317430, MedGen C2748557, MONDO:0013008, OMIM 612783.
Stormorken syndrome (STRMK). Also called: THROMBOCYTOPATHY, ASPLENIA, AND MIOSIS. Identifiers: Orphanet 3204, MedGen C1861451, MONDO:0008497, OMIM 185070.

gnomAD v4.1: 33 of 1,614,092 alleles (0.002%); highest among the groups gnomAD compares: Non-Finnish European, 0.0028%; no homozygotes.

Submission:

Labcorp Genetics (formerly Invitae), Labcorp
Classification: Uncertain significance for Myopathy with tubular aggregates; Combined immunodeficiency due to STIM1 deficiency; Stormorken syndrome. Last evaluated: 2024-03-28. Review status: criteria provided, single submitter. Criteria: Invitae Variant Classification Sherloc (09022015). Collection method: clinical testing. Allele origin: germline.
Comment: This sequence change replaces aspartic acid, which is acidic and polar, with glutamic acid, which is acidic and polar, at codon 478 of the STIM1 protein (p.Asp478Glu). This variant is not present in population databases (gnomAD no frequency). This variant has not been reported in the literature in individuals affected with STIM1-related conditions. Advanced modeling of protein sequence and biophysical properties (such as structural, functional, and spatial information, amino acid conservation, physicochemical variation, residue mobility, and thermodynamic stability) performed at Invitae indicates that this missense variant is not expected to disrupt STIM1 protein function with a negative predictive value of 80%. In summary, the available evidence is currently insufficient to determine the role of this variant in disease. Therefore, it has been classified as a Variant of Uncertain Significance.

NM_001382567.1(STIM1):c.1434T>G (p.Asp478Glu)

Gene: STIM1 (stromal interaction molecule 1; plus strand). Cytogenetic location: 11p15.4.
Variant type: single nucleotide variant.
Coding change: c.1434T>G on transcript NM_001382567.1 (MANE Select); coding-DNA position 1434, T replaced by G.
Protein change: p.Asp478Glu; replaces aspartic acid 478 with glutamic acid.
Molecular consequence: missense variant. On other transcripts: non-coding transcript variant (2).
Genome position (GRCh38, 1-based): chr11:4,083,458, T>G. VCF-style: chr11-4083458-T-G. GRCh37 (hg19) VCF-style: chr11-4104688-T-G.
Other names: c.1434T>G, p.Asp478Glu (NM_001277961.3, NM_001277962.2, NM_003156.4); c.1212T>G, p.Asp404Glu (NM_001382566.1, NM_001382573.1, NM_001382575.1 and 4 more transcripts); c.1455T>G, p.Asp485Glu (NM_001382568.1); c.1299T>G, p.Asp433Glu (NM_001382569.1); c.1206T>G, p.Asp402Glu (NM_001382570.1); c.954T>G, p.Asp318Glu (NM_001382571.1); c.945T>G, p.Asp315Glu (NM_001382580.1, NM_001382581.1); short protein forms D404E, D433E, D478E, D485E, D315E, D318E, D402E.
Identifiers: ClinVar variation 3762733 (VCV003762733.2).